The following is an entry in ClinVar:

ClinVar aggregate classification (germline): Likely benign (1 of 4 stars; one submission).

Submission:

CeGaT Center for Human Genetics Tuebingen
Classification: Likely benign. Last evaluated: 2025-01-01. Review status: criteria provided, single submitter. Criteria: CeGaT Center For Human Genetics Tuebingen Variant Classification Criteria Version 2. Collection method: clinical testing. Allele origin: germline. Affected: yes. Observed: 1 variant allele.
Comment: TOX2: PM2:Supporting, BP4, BP7

NM_001098797.2(TOX2):c.1125G>C (p.Arg375=)

Gene: TOX2 (TOX high mobility group box family member 2; plus strand). Cytogenetic location: 20q13.12.
Variant type: single nucleotide variant.
Coding change: c.1125G>C on transcript NM_001098797.2 (MANE Select); coding-DNA position 1125, G replaced by C.
Protein change: p.Arg375=; no amino-acid change (arginine 375 retained).
Molecular consequence: synonymous variant.
Genome position (GRCh38, 1-based): chr20:44,065,876, G>C. VCF-style: chr20-44065876-G-C. GRCh37 (hg19) VCF-style: chr20-42694516-G-C.
Other names: c.999G>C, p.Arg333= (NM_001098796.2, NM_032883.3); c.1071G>C, p.Arg357= (NM_001098798.2).
Identifiers: ClinVar variation 3771903 (VCV003771903.13).